The following is an entry in ClinVar:

NM_000135.4(FANCA):c.3529C>G (p.Leu1177Val)

Gene: FANCA (FA complementation group A; minus strand). Cytogenetic location: 16q24.3.
Variant type: single nucleotide variant.
Coding change: c.3529C>G on transcript NM_000135.4 (MANE Select); coding-DNA position 3529, C replaced by G.
Protein change: p.Leu1177Val; replaces leucine 1177 with valine.
Molecular consequence: missense variant.
Genome position (GRCh38, 1-based): chr16:89,745,056, G>C on the plus strand (C>G on the coding strand, the complement: FANCA is on the minus strand). VCF-style: chr16-89745056-G-C. GRCh37 (hg19) VCF-style: chr16-89811464-G-C.
Other names: c.3529C>G, p.Leu1177Val (NM_001286167.3); short protein forms L1177V.
Identifiers: ClinVar variation 5036311 (VCV005036311.1).

ClinVar aggregate classification (germline): Uncertain significance (1 of 4 stars; one submission).

Conditions:
Inborn genetic diseases. Identifiers: MedGen C0950123, MeSH D030342.

Submission:

Ambry Genetics
Classification: Uncertain significance for Inborn genetic diseases. Last evaluated: 2026-06-16. Review status: criteria provided, single submitter. Criteria: Ambry Variant Classification Scheme 2023. Collection method: clinical testing. Allele origin: germline.
Comment: The p.L1177V variant (also known as c.3529C>G), located in coding exon 36 of the FANCA gene, results from a C to G substitution at nucleotide position 3529. The leucine at codon 1177 is replaced by valine, an amino acid with highly similar properties. This amino acid position is conserved. In addition, the in silico prediction for this alteration is inconclusive. Based on the available evidence, the clinical significance of this variant remains unclear.